The following is an entry in ClinVar:

ClinVar aggregate classification (germline): Uncertain significance (1 of 4 stars; one submission).

gnomAD v4.1: 1 of 1,614,198 alleles (0.000062%); highest among the groups gnomAD compares: Non-Finnish European, 0.000085%; no homozygotes.

Submission:

Ambry Genetics
Classification: Uncertain significance. Last evaluated: 2023-01-05. Review status: criteria provided, single submitter. Criteria: Ambry Variant Classification Scheme 2023. Collection method: clinical testing. Allele origin: germline.
Comment: The p.D43E variant (also known as c.129T>A), located in coding exon 1 of the BUB3 gene, results from a T to A substitution at nucleotide position 129. The aspartic acid at codon 43 is replaced by glutamic acid, an amino acid with highly similar properties. This amino acid position is conserved. In addition, this alteration is predicted to be deleterious by in silico analysis. Since supporting evidence is limited at this time, the clinical significance of this alteration remains unclear.

NM_004725.4(BUB3):c.129T>A (p.Asp43Glu)

Genes: BUB3 (BUB3 mitotic checkpoint protein; plus strand), LOC130004885 (ATAC-STARR-seq lymphoblastoid active region 4151; plus strand). Cytogenetic location: 10q26.13.
Variant type: single nucleotide variant.
Coding change: c.129T>A on transcript NM_004725.4 (MANE Select); coding-DNA position 129, T replaced by A.
Protein change: p.Asp43Glu; replaces aspartic acid 43 with glutamic acid.
Molecular consequence: missense variant.
Genome position (GRCh38, 1-based): chr10:123,155,046, T>A. VCF-style: chr10-123155046-T-A. GRCh37 (hg19) VCF-style: chr10-124914562-T-A.
Other names: c.129T>A, p.Asp43Glu (NM_001007793.3); short protein forms D43E.
Identifiers: ClinVar variation 2448139 (VCV002448139.2), dbSNP rs766773163, ClinGen allele CA378625001.
Genomic context (GRCh38, chr10:123,155,046, plus strand): 5'-CCCCAACACCTCCCAGTTCCTGCTTGTCTCCTCCTGGGACACGTCCGTGCGTCTCTACGA[T>A]GTGCCGGCCAACTCCATGCGGCTCAAGTACCAGCACACCGGCGCCGTCCTGGACTGCGCC-3'
Protein context (NP_004716.1, residues 33-53): SSWDTSVRLY[Asp43Glu]VPANSMRLKY